The following is an entry in ClinVar:

ClinVar aggregate classification (germline): Uncertain significance. Review status: criteria provided, multiple submitters, no conflicts (2 of 4 stars). 5 submissions from 5 submitters: Uncertain significance (4). 1 of the submissions does not count toward it. Last evaluated 2026-02-20.

Conditions:
Aortic aneurysm, familial thoracic 10 (AAT10). Identifiers: MedGen C4284414, MONDO:0014950, OMIM 617168.
Familial thoracic aortic aneurysm and aortic dissection (TAAD). Also called: Thoracic aortic aneurysms and dissections. Identifiers: Orphanet 91387, MedGen C4707243, MONDO:0019625.
Aortic aneurysm, familial thoracic 7 (AAT7). Also called: AORTIC DISSECTION, FAMILIAL, WITH OR WITHOUT AORTIC ANEURYSM. Identifiers: MedGen C3151077, MONDO:0013418, OMIM 613780.

Allele frequency attached by ClinVar (database versions not stated): gnomAD exomes below 0.00001 and 0.00001; ExAC 0.00001.
gnomAD v4.1: 5 of 1,614,102 alleles (0.00031%); highest among the groups gnomAD compares: Non-Finnish European, 0.00034%; no homozygotes.

Submissions (5):

Victorian Clinical Genetics Services, Murdoch Childrens Research Institute
Classification: Uncertain significance for Aortic aneurysm, familial thoracic 7. Last evaluated: 2026-02-20. Review status: criteria provided, single submitter. Criteria: ACMG Guidelines, 2015. Collection method: clinical testing. Allele origin: germline. Affected: yes.
Comment: This variant is classified as VUS-3A. Evidence in support of pathogenic classification: Variant is present in gnomAD <0.01 (v4: 5 heterozygote(s), 0 homozygote(s)). Additional information: Variant is predicted to result in a missense amino acid change from Ile to Thr; This variant is heterozygous; This gene is associated with autosomal dominant familial thoracic aortic aneurysm 7 (MIM#613780) although homozygotes with more early-onset severe disease have also been reported (PMID: 29544503; OMIM). It has also been associated with autosomal recessive megacystis-microcolon-intestinal hypoperistalsis syndrome 1 (MIM#249210), however this gene-disease association has not been established conclusively (PanelApp Australia). - Previous evidence of pathogenicity for this variant is inconclusive. This variant has been classified as a VUS by clinical laboratories in ClinVar. - No published evidence of segregation with disease has been identified for this variant; No published functional evidence has been identified for this variant; No comparable missense variants have previous evidence for pathogenicity; Variant is located in the annotated CaM binding domain (PMID: 21055718); Missense variant with inconclusive in silico prediction and/or uninformative conservation; Loss of function is a known mechanism of disease in this gene and is associated with autosomal dominant familial thoracic aortic aneurysm 7 (MIM#613780). It has also been reported for autosomal recessive megacystis-microcolon-intestinal hypoperistalsis syndrome 1 (MIM#249210), however this gene-disease association has not been established conclusively (PanelApp Australia); The familial thoracic aortic aneurysm 7 condition associated with this gene has incomplete penetrance (PMIDs: 29544503, 21055718; OMIM); Variants associated with familial thoracic aortic aneurysm 7 in this gene are known to have variable expressivity (PMIDs: 29544503, 21055718); Inheritance information for this variant is not currently available in this individual.

Labcorp Genetics (formerly Invitae), Labcorp
Classification: Uncertain significance for Aortic aneurysm, familial thoracic 7. Last evaluated: 2024-04-29. Review status: criteria provided, single submitter. Criteria: Invitae Variant Classification Sherloc (09022015). Collection method: clinical testing. Allele origin: germline.
Comment: This sequence change replaces isoleucine, which is neutral and non-polar, with threonine, which is neutral and polar, at codon 1755 of the MYLK protein (p.Ile1755Thr). This variant is present in population databases (rs759291796, gnomAD 0.004%). This variant has not been reported in the literature in individuals affected with MYLK-related conditions. ClinVar contains an entry for this variant (Variation ID: 519982). Advanced modeling of protein sequence and biophysical properties (such as structural, functional, and spatial information, amino acid conservation, physicochemical variation, residue mobility, and thermodynamic stability) performed at Invitae indicates that this missense variant is not expected to disrupt MYLK protein function with a negative predictive value of 80%. In summary, the available evidence is currently insufficient to determine the role of this variant in disease. Therefore, it has been classified as a Variant of Uncertain Significance.

Ambry Genetics
Classification: Uncertain significance for Familial thoracic aortic aneurysm and aortic dissection. Last evaluated: 2022-03-22. Review status: criteria provided, single submitter. Criteria: Ambry Variant Classification Scheme 2023. Collection method: clinical testing. Allele origin: germline.
Comment: The p.I1755T variant (also known as c.5264T>C), located in coding exon 29 of the MYLK gene, results from a T to C substitution at nucleotide position 5264. The isoleucine at codon 1755 is replaced by threonine, an amino acid with similar properties. This amino acid position is highly conserved in available vertebrate species. In addition, this alteration is predicted to be deleterious by in silico analysis. Since supporting evidence is limited at this time, the clinical significance of this alteration remains unclear.

Mayo Clinic Laboratories, Mayo Clinic
Classification: Uncertain significance. Last evaluated: 2020-11-25. Review status: criteria provided, single submitter. Criteria: ACMG Guidelines, 2015. Collection method: clinical testing. Allele origin: germline. Observed: 1 variant allele.

Diagnostics Centre, Carl Von Ossietzky University Oldenburg
Classification: Uncertain significance for Aortic aneurysm, familial thoracic 10. Last evaluated: 2025-06-10. Review status: no assertion criteria provided. Collection method: clinical testing. Allele origin: germline. Affected: yes. Observed: 1 variant allele. Not counted in ClinVar's aggregate classification.
Comment: The variant MYLK:c.5264T>C p.(Ile1755Thr), results from a thymine-to-cytosine substitution at nucleotide position c.5264. The isoleucine at protein position 1755 is replaced by a threonine. In silico tools predict a moderate deleterious effect in the protein structure/function (REVEL = 0,65). The variant has been classified as variant of uncertain significance in three entries in Clinvar (VCV000519982.16). The variant is classified as rare in the general population (MAF 3 * e-6 in gnomAD v4.1.0). In summary, this variant is classified as variant of uncertain significance.

Literature cited by the submitters: PubMed 21055718 (cited by Victorian Clinical Genetics Services, Murdoch Childrens Research Institute); PubMed 29544503 (cited by Victorian Clinical Genetics Services, Murdoch Childrens Research Institute).

NM_053025.4(MYLK):c.5264T>C (p.Ile1755Thr)

Genes: MYLK-AS1 (MYLK antisense RNA 1; plus strand), MYLK (myosin light chain kinase; minus strand). Cytogenetic location: 3q21.1.
Variant type: single nucleotide variant.
Coding change: c.5264T>C on transcript NM_053025.4 (MANE Select); coding-DNA position 5264, T replaced by C.
Protein change: p.Ile1755Thr; replaces isoleucine 1755 with threonine.
Molecular consequence: missense variant. On other transcripts: 5 prime UTR variant (2).
Genome position (GRCh38, 1-based): chr3:123,620,311, A>G on the plus strand (T>C on the coding strand, the complement: MYLK is on the minus strand). VCF-style: chr3-123620311-A-G. GRCh37 (hg19) VCF-style: chr3-123339158-A-G.
Other names: c.4736T>C, p.Ile1579Thr (NM_001321309.2); c.5057T>C, p.Ile1686Thr (NM_053026.4); c.5111T>C, p.Ile1704Thr (NM_053027.4); c.4904T>C, p.Ile1635Thr (NM_053028.4); c.-17T>C (NM_053031.4, NM_053032.4); short protein forms I1755T, I1579T, I1704T, I1635T, I1686T.
Identifiers: ClinVar variation 519982 (VCV000519982.18), dbSNP rs759291796, ClinGen allele CA072739.
Genomic context (GRCh38, chr3:123,620,311, plus strand): 5'-CCTGTTGAGGATTTCCTGCCACTGAGCCCTGAGATCATTGCCATAGAGGACAGTCTTCCA[A>G]TGGCTCTCACAGCATTGCCCGTTTTCTGGAAAATAGACACGAGGGTTGGACTCAGGCGTT-3'
Protein context (NP_444253.3, residues 1745-1765): WQKTGNAVRA[Ile1755Thr]GRLSSMAMIS